The following is an entry in ClinVar:

ClinVar aggregate classification (germline): Likely benign. Review status: criteria provided, multiple submitters, no conflicts (2 of 4 stars). 2 submissions from 2 submitters: Likely benign (2). Last evaluated 2025-05-15.

Allele frequency attached by ClinVar (database versions not stated): ExAC 0.00001; gnomAD exomes 0.00001 and 0.00002; TOPMed 0.00001.
gnomAD v4.1: 12 of 1,614,052 alleles (0.00074%); highest among the groups gnomAD compares: Admixed American, 0.0017%; no homozygotes.

Submissions (2):

Labcorp Genetics (formerly Invitae), Labcorp
Classification: Likely benign. Last evaluated: 2025-05-15. Review status: criteria provided, single submitter. Criteria: Invitae Variant Classification Sherloc (09022015). Collection method: clinical testing. Allele origin: germline.

GeneDx
Classification: Likely benign. Last evaluated: 2018-01-31. Review status: criteria provided, single submitter. Criteria: GeneDx Variant Classification (06012015). Collection method: clinical testing. Allele origin: germline. Affected: yes.
Comment: This variant is considered likely benign or benign based on one or more of the following criteria: it is a conservative change, it occurs at a poorly conserved position in the protein, it is predicted to be benign by multiple in silico algorithms, and/or has population frequency not consistent with disease.

NM_004614.5(TK2):c.444T>C (p.Tyr148=)

Gene: TK2 (thymidine kinase 2; minus strand). Cytogenetic location: 16q21.
Variant type: single nucleotide variant.
Coding change: c.444T>C on transcript NM_004614.5 (MANE Select); coding-DNA position 444, T replaced by C.
Protein change: p.Tyr148=; no amino-acid change (tyrosine 148 retained).
Molecular consequence: synonymous variant. On other transcripts: non-coding transcript variant (1).
Genome position (GRCh38, 1-based): chr16:66,528,999, A>G on the plus strand (T>C on the coding strand, the complement: TK2 is on the minus strand). VCF-style: chr16-66528999-A-G. GRCh37 (hg19) VCF-style: chr16-66562902-A-G.
Other names: c.351T>C, p.Tyr117= (NM_001172643.1, NM_001271935.1); c.369T>C, p.Tyr123= (NM_001172644.2); c.390T>C, p.Tyr130= (NM_001172645.2); c.297T>C, p.Tyr99= (NM_001271934.2); c.153T>C, p.Tyr51= (NM_001272050.2).
Identifiers: ClinVar variation 515295 (VCV000515295.4), dbSNP rs768364178, ClinGen allele CA8093673.
Genomic context (GRCh38, chr16:66,528,999, plus strand): 5'-TTCATTTTGAAAAATTAGTGGTTTAATAAATTATCAACTATTCAAACTACAGTACCTTCT[A>G]TACAGGTTTTCTACAAAAATGTATCTTGCGCTGTGAATCGACCTCTCCATCAACCGTACA-3'
Protein context (NP_004605.4, residues 138-158): SARYIFVENL[Tyr148=]RSGKMPEVDY